The following is an entry in ClinVar:

NM_198578.4(LRRK2):c.7385A>C (p.Gln2462Pro)

Gene: LRRK2 (leucine rich repeat kinase 2; plus strand). Cytogenetic location: 12q12.
Variant type: single nucleotide variant.
Coding change: c.7385A>C on transcript NM_198578.4 (MANE Select); coding-DNA position 7385, A replaced by C.
Protein change: p.Gln2462Pro; replaces glutamine 2462 with proline.
Molecular consequence: missense variant.
Genome position (GRCh38, 1-based): chr12:40,365,045, A>C. VCF-style: chr12-40365045-A-C. GRCh37 (hg19) VCF-style: chr12-40758847-A-C.
Other names: short protein forms Q2462P.
Identifiers: ClinVar variation 3649698 (VCV003649698.2).

ClinVar aggregate classification (germline): Uncertain significance (1 of 4 stars; one submission).

Conditions:
Autosomal dominant Parkinson disease 8. Also called: LRRK2-Related Parkinson Disease; Parkinson disease 8; Parkinson disease 8, susceptibility to. Identifiers: Orphanet 411602, MedGen C1846862, MONDO:0011764, OMIM 607060.

Submission:

Labcorp Genetics (formerly Invitae), Labcorp
Classification: Uncertain significance for Autosomal dominant Parkinson disease 8. Last evaluated: 2024-04-12. Review status: criteria provided, single submitter. Criteria: Invitae Variant Classification Sherloc (09022015). Collection method: clinical testing. Allele origin: germline.
Comment: This sequence change replaces glutamine, which is neutral and polar, with proline, which is neutral and non-polar, at codon 2462 of the LRRK2 protein (p.Gln2462Pro). This variant is not present in population databases (gnomAD no frequency). This variant has not been reported in the literature in individuals affected with LRRK2-related conditions. Advanced modeling of protein sequence and biophysical properties (such as structural, functional, and spatial information, amino acid conservation, physicochemical variation, residue mobility, and thermodynamic stability) has been performed at Invitae for this missense variant, however the output from this modeling did not meet the statistical confidence thresholds required to predict the impact of this variant on LRRK2 protein function. In summary, the available evidence is currently insufficient to determine the role of this variant in disease. Therefore, it has been classified as a Variant of Uncertain Significance.